The following is an entry in ClinVar:

ClinVar aggregate classification (germline): Conflicting classifications of pathogenicity. Review status: criteria provided, conflicting classifications (1 of 4 stars). 5 submissions from 5 submitters: Uncertain significance (2); Likely benign (3). Last evaluated 2026-02-11.

Conditions:
PKP2-related disorder. Also called: PKP2-related condition.
Cardiovascular phenotype. Identifiers: MedGen CN230736.
Cardiomyopathy (CMYO). Also called: Cardiomyopathies. Identifiers: Orphanet 167848, MedGen C0878544, MONDO:0004994, HP:0001638. Inheritance: Various modes of inheritance.
Arrhythmogenic right ventricular dysplasia 9 (ARVD9). Also called: ARRHYTHMOGENIC RIGHT VENTRICULAR DYSPLASIA, FAMILIAL, 9; Arrhythmogenic Right Ventricular Dysplasia/Cardiomyopathy 9. Identifiers: MedGen C1836906, MONDO:0012180, OMIM 609040.

Allele frequency attached by ClinVar (database versions not stated): gnomAD exomes 0.00001 and 0.00005; ExAC 0.00004; ESP Exome Variant Server 0.00008; gnomAD 0.00011 and 0.00012; TOPMed 0.00011; 1000 Genomes Project 30x 0.00031; 1000 Genomes Project 0.00040.

Submissions (5):

PreventionGenetics, part of Exact Sciences
Classification: Likely benign for PKP2-related condition. Last evaluated: 2026-02-11. Review status: criteria provided, single submitter. Criteria: ACMG Guidelines, 2015. Collection method: clinical testing. Allele origin: germline.
Comment: This variant is classified as likely benign based on ACMG/AMP sequence variant interpretation guidelines (Richards et al. 2015 PMID: 25741868, with internal and published modifications).

Labcorp Genetics (formerly Invitae), Labcorp
Classification: Uncertain significance for Arrhythmogenic right ventricular dysplasia 9. Last evaluated: 2026-02-02. Review status: criteria provided, single submitter. Criteria: Invitae Variant Classification Sherloc (09022015). Collection method: clinical testing. Allele origin: germline.
Comment: This sequence change replaces valine, which is neutral and non-polar, with isoleucine, which is neutral and non-polar, at codon 558 of the PKP2 protein (p.Val558Ile). This variant is present in population databases (rs376102257, gnomAD 0.05%). This variant has not been reported in the literature in individuals affected with PKP2-related conditions. ClinVar contains an entry for this variant (Variation ID: 263765). An algorithm developed to predict the effect of missense changes on protein structure and function (PolyPhen-2) suggests that this variant is likely to be disruptive. In summary, the available evidence is currently insufficient to determine the role of this variant in disease. Therefore, it has been classified as a Variant of Uncertain Significance.

Ambry Genetics
Classification: Likely benign for Cardiovascular phenotype. Last evaluated: 2022-02-02. Review status: criteria provided, single submitter. Criteria: Ambry Variant Classification Scheme 2023. Collection method: clinical testing. Allele origin: germline.

Color Diagnostics, LLC DBA Color Health
Classification: Likely benign for Cardiomyopathy. Last evaluated: 2021-03-04. Review status: criteria provided, single submitter. Criteria: ACMG Guidelines, 2015. Collection method: clinical testing. Allele origin: germline.

GeneDx
Classification: Uncertain significance. Last evaluated: 2020-02-20. Review status: criteria provided, single submitter. Criteria: GeneDx Variant Classification Process June 2021. Collection method: clinical testing. Allele origin: germline. Affected: yes.
Comment: Has not been previously published as pathogenic or benign to our knowledge; Reported in ClinVar as a variant of uncertain significance (ClinVar Variant ID# 263765; Landrum et al., 2016); In silico analysis supports that this missense variant does not alter protein structure/function

NM_001005242.3(PKP2):c.1540G>A (p.Val514Ile)

Gene: PKP2 (plakophilin 2; minus strand). Cytogenetic location: 12p11.21.
Variant type: single nucleotide variant.
Coding change: c.1540G>A on transcript NM_001005242.3 (MANE Select); coding-DNA position 1540, G replaced by A.
Protein change: p.Val514Ile; replaces valine 514 with isoleucine.
Molecular consequence: missense variant.
Genome position (GRCh38, 1-based): chr12:32,841,044, C>T on the plus strand (G>A on the coding strand, the complement: PKP2 is on the minus strand). VCF-style: chr12-32841044-C-T. GRCh37 (hg19) VCF-style: chr12-32993978-C-T.
Other names: c.1672G>A, p.Val558Ile (NM_004572.4); short protein forms V558I, V514I.
Identifiers: ClinVar variation 263765 (VCV000263765.18), dbSNP rs376102257, ClinGen allele CA029956.
Genomic context (GRCh38, chr12:32,841,044, plus strand): 5'-TTTTTATTGCATCTTCTATCAGGGCAGGGTACAGGTAGCATTACCTTAGGCATCCAGTGA[C>T]GTTGTAGAATATGTCAAAATCGAGCAAACCATTTGCTTTTGGGTAGTCTCCTTCAGGCCA-3'
Protein context (NP_001005242.2, residues 504-524): GLLDFDIFYN[Val514Ile]TGCLRNMSSA